The following is an entry in ClinVar:

NM_001035.3(RYR2):c.11090A>G (p.Lys3697Arg)

Gene: RYR2 (ryanodine receptor 2; plus strand). Cytogenetic location: 1q43.
Variant type: single nucleotide variant.
Coding change: c.11090A>G on transcript NM_001035.3 (MANE Select); coding-DNA position 11090, A replaced by G.
Protein change: p.Lys3697Arg; replaces lysine 3697 with arginine.
Molecular consequence: missense variant.
Genome position (GRCh38, 1-based): chr1:237,733,755, A>G. VCF-style: chr1-237733755-A-G. GRCh37 (hg19) VCF-style: chr1-237897055-A-G.
Other names: c.11090A>G, p.Lys3697Arg (LRG_402t1); short protein forms K3697R.
Identifiers: ClinVar variation 647296 (VCV000647296.8), dbSNP rs754610757, ClinGen allele CA084699.
Genomic context (GRCh38, chr1:237,733,755, plus strand): 5'-CTTTCCCCAGCAAACTGGAGGAAGATTTTTTATATATGGCCTATGCAGATATTATGGCAA[A>G]GGTAAATAAGTATCCTTCCTGATTTTCATGTTTAATTTTAATAAAGGGAAGTAACTTTCA-3'
Protein context (NP_001026.2, residues 3687-3707): LYMAYADIMA[Lys3697Arg]SCHDEEDDDG

ClinVar aggregate classification (germline): Uncertain significance. Review status: criteria provided, multiple submitters, no conflicts (2 of 4 stars). 2 submissions from 2 submitters: Uncertain significance (2). Last evaluated 2023-07-17.

Conditions:
Cardiomyopathy (CMYO). Also called: Cardiomyopathies. Identifiers: Orphanet 167848, MedGen C0878544, MONDO:0004994, HP:0001638. Inheritance: Various modes of inheritance.
Catecholaminergic polymorphic ventricular tachycardia 1. Also called: RYR2-Related Catecholaminergic Polymorphic Ventricular Tachycardia; VENTRICULAR TACHYCARDIA, STRESS-INDUCED POLYMORPHIC 1; VENTRICULAR TACHYCARDIA, CATECHOLAMINERGIC POLYMORPHIC, 1, WITH OR WITHOUT ATRIAL DYSFUNCTION AND/OR DILATED CARDIOMYOPATHY. Identifiers: Orphanet 3286, MedGen C1631597, MONDO:0011484, OMIM 604772.

Allele frequency attached by ClinVar (database versions not stated): gnomAD exomes below 0.00001; ExAC 0.00001; gnomAD 0.00001 and 0.00002.
gnomAD v4.1: 4 of 1,587,320 alleles (0.00025%); highest among the groups gnomAD compares: Non-Finnish European, 0.00026%; no homozygotes.

Submissions (2):

Color Diagnostics, LLC DBA Color Health
Classification: Uncertain significance for Cardiomyopathy. Last evaluated: 2023-07-17. Review status: criteria provided, single submitter. Criteria: ACMG Guidelines, 2015. Collection method: clinical testing. Allele origin: germline.
Comment: This missense variant replaces lysine with arginine at codon 3697 of the RYR2 protein. Computational prediction is inconclusive regarding the impact of this variant on protein structure and function (internally defined REVEL score threshold 0.5 < inconclusive < 0.7, PMID: 27666373). To our knowledge, functional studies have not been reported for this variant. This variant has not been reported in individuals affected with RYR2-related disorders in the literature. This variant has been identified in 2/277430 chromosomes in the general population by the Genome Aggregation Database (gnomAD). The available evidence is insufficient to determine the role of this variant in disease conclusively. Therefore, this variant is classified as a Variant of Uncertain Significance.

Labcorp Genetics (formerly Invitae), Labcorp
Classification: Uncertain significance for Catecholaminergic polymorphic ventricular tachycardia 1. Last evaluated: 2022-08-16. Review status: criteria provided, single submitter. Criteria: Invitae Variant Classification Sherloc (09022015). Collection method: clinical testing. Allele origin: germline.
Comment: In summary, the available evidence is currently insufficient to determine the role of this variant in disease. Therefore, it has been classified as a Variant of Uncertain Significance. Algorithms developed to predict the effect of sequence changes on RNA splicing suggest that this variant may disrupt the consensus splice site. Advanced modeling of protein sequence and biophysical properties (such as structural, functional, and spatial information, amino acid conservation, physicochemical variation, residue mobility, and thermodynamic stability) performed at Invitae indicates that this missense variant is expected to disrupt RYR2 protein function. ClinVar contains an entry for this variant (Variation ID: 647296). This variant has not been reported in the literature in individuals affected with RYR2-related conditions. The frequency data for this variant in the population databases is considered unreliable, as metrics indicate poor data quality at this position in the gnomAD database. This sequence change replaces lysine, which is basic and polar, with arginine, which is basic and polar, at codon 3697 of the RYR2 protein (p.Lys3697Arg).